The following is an entry in ClinVar:

ClinVar aggregate classification (germline): Conflicting classifications of pathogenicity. Review status: criteria provided, conflicting classifications (1 of 4 stars). 5 submissions from 5 submitters: Uncertain significance (1); Likely benign (4). Last evaluated 2026-08-03.

Conditions:
TTN-related disorder. Also called: TTN-related condition; TTN-related disease; TTN-related disorders.
Dilated cardiomyopathy 1G (CMD1G). Identifiers: Orphanet 154, MedGen C1858763, MONDO:0011400, OMIM 604145.
Autosomal recessive limb-girdle muscular dystrophy type 2J (LGMDR10). Also called: Limb-girdle muscular dystrophy, type 2J; MUSCULAR DYSTROPHY, LIMB-GIRDLE, AUTOSOMAL RECESSIVE 10. Identifiers: Orphanet 140922, MedGen C1837342, MONDO:0012127, OMIM 608807.

Allele frequency attached by ClinVar (database versions not stated): gnomAD 0.00001; ExAC 0.00003; gnomAD exomes 0.00003 and 0.00004; TOPMed 0.00003.
gnomAD v4.1: 44 of 1,605,252 alleles (0.0027%); highest among the groups gnomAD compares: Non-Finnish European, 0.0036%; no homozygotes.

Submissions (5):

PreventionGenetics, part of Exact Sciences
Classification: Likely benign for TTN-related condition. Last evaluated: 2026-08-03. Review status: criteria provided, single submitter. Criteria: ACMG Guidelines, 2015. Collection method: clinical testing. Allele origin: germline.
Comment: This variant is classified as likely benign based on ACMG/AMP sequence variant interpretation guidelines (Richards et al. 2015 PMID: 25741868, with internal and published modifications).

Labcorp Genetics (formerly Invitae), Labcorp
Classification: Likely benign for Dilated cardiomyopathy 1G; Autosomal recessive limb-girdle muscular dystrophy type 2J. Last evaluated: 2025-10-20. Review status: criteria provided, single submitter. Criteria: Invitae Variant Classification Sherloc (09022015). Collection method: clinical testing. Allele origin: germline.

Mayo Clinic Laboratories, Mayo Clinic
Classification: Likely benign. Last evaluated: 2025-08-13. Review status: criteria provided, single submitter. Criteria: ACMG Guidelines, 2015. Collection method: clinical testing. Allele origin: germline. Observed: 1 variant allele.
Comment: BP4, BP7

Blueprint Genetics
Classification: Likely benign. Last evaluated: 2019-09-03. Review status: criteria provided, single submitter. Criteria: ACMG Guidelines, 2015. Collection method: clinical testing. Allele origin: germline.

Eurofins Ntd Llc (ga)
Classification: Uncertain significance. Last evaluated: 2015-01-08. Review status: criteria provided, single submitter. Criteria: EGL Classification Definitions 2015. Collection method: clinical testing. Allele origin: germline. Observed: 2 variant alleles, 2 heterozygotes.

NM_001267550.2(TTN):c.15775+9A>G

Gene: TTN (titin; minus strand). Cytogenetic location: 2q31.2.
Variant type: single nucleotide variant.
Coding change: c.15775+9A>G on transcript NM_001267550.2 (MANE Select); 9 bases into the intron after coding-DNA position 15775, A replaced by G.
Molecular consequence: intron variant.
Genome position (GRCh38, 1-based): chr2:178,733,605, T>C on the plus strand (A>G on the coding strand, the complement: TTN is on the minus strand). VCF-style: chr2-178733605-T-C. GRCh37 (hg19) VCF-style: chr2-179598332-T-C.
Other names: p.?; c.13282+4477A>G (NM_003319.4); c.13858+4477A>G (NM_133437.4); c.13657+4477A>G (NM_133432.3); c.12043+9A>G (NM_133378.4); c.14824+9A>G (NM_001256850.1).
Identifiers: ClinVar variation 197916 (VCV000197916.18), dbSNP rs746563654, ClinGen allele CA246307.
Genomic context (GRCh38, chr2:178,733,605, plus strand): 5'-CTAAATGCTTGTTAGGGTTTCACTTTAATTCTAAATAGCAATTTGAGGTTTAAATGTTCC[T>C]ACACAAACCTTTAACTATTAATTCCCCAACAGATGTTTGGCTTCCAGCTTCATTTTCAGC-3'